The following is an entry in ClinVar:

ClinVar aggregate classification (germline): Conflicting classifications of pathogenicity. Review status: criteria provided, conflicting classifications (1 of 4 stars). 14 submissions from 14 submitters: Uncertain significance (1); Benign (4); Likely benign (6). 3 of the submissions do not count toward it. Last evaluated 2026-07-01.

Conditions:
Familial thoracic aortic aneurysm and aortic dissection (TAAD). Also called: Thoracic aortic aneurysms and dissections. Identifiers: Orphanet 91387, MedGen C4707243, MONDO:0019625.
Aortic aneurysm, familial thoracic 7 (AAT7). Also called: AORTIC DISSECTION, FAMILIAL, WITH OR WITHOUT AORTIC ANEURYSM. Identifiers: MedGen C3151077, MONDO:0013418, OMIM 613780.

Allele frequency attached by ClinVar (database versions not stated): 1000 Genomes Project 0.00040; 1000 Genomes Project 30x 0.00047; ExAC 0.00167; gnomAD exomes 0.00181 and 0.00184; gnomAD 0.00190 and 0.00195; ESP Exome Variant Server 0.00192; TOPMed 0.00193.
gnomAD v4.1: 2,947 of 1,613,804 alleles (0.18%); highest among the groups gnomAD compares: Middle Eastern, 0.76%; 7 homozygotes.

Submissions (14):

CeGaT Center for Human Genetics Tuebingen
Classification: Likely benign. Last evaluated: 2026-07-01. Review status: criteria provided, single submitter. Criteria: CeGaT Center For Human Genetics Tuebingen Variant Classification Criteria Version 2. Collection method: clinical testing. Allele origin: germline. Affected: yes. Observed: 13 variant alleles.
Comment: MYLK: BP4

Labcorp Genetics (formerly Invitae), Labcorp
Classification: Benign for Aortic aneurysm, familial thoracic 7. Last evaluated: 2026-02-01. Review status: criteria provided, single submitter. Criteria: Invitae Variant Classification Sherloc (09022015). Collection method: clinical testing. Allele origin: germline.

Mayo Clinic Laboratories, Mayo Clinic
Classification: Likely benign. Last evaluated: 2025-08-27. Review status: criteria provided, single submitter. Criteria: ACMG Guidelines, 2015. Collection method: clinical testing. Allele origin: germline. Observed: 4 variant alleles.
Comment: BS1, BP4, BP7

ARUP Laboratories, Molecular Genetics and Genomics, ARUP Laboratories
Classification: Benign. Last evaluated: 2025-06-12. Review status: criteria provided, single submitter. Criteria: ARUP Molecular Germline Variant Investigation Process 2024. Collection method: clinical testing. Allele origin: germline.

Blueprint Genetics
Classification: Likely benign. Last evaluated: 2024-11-26. Review status: criteria provided, single submitter. Criteria: ACMG Guidelines, 2015. Collection method: clinical testing. Allele origin: germline.

GeneDx
Classification: Likely benign. Last evaluated: 2021-10-15. Review status: criteria provided, single submitter. Criteria: GeneDx Variant Classification Process June 2021. Collection method: clinical testing. Allele origin: germline. Affected: yes.

Women's Health and Genetics/Laboratory Corporation of America, LabCorp
Classification: Benign. Last evaluated: 2019-09-16. Review status: criteria provided, single submitter. Criteria: LabCorp Variant Classification Summary - May 2015. Collection method: clinical testing. Allele origin: germline.
Comment: Variant summary: MYLK c.4620-6C>T alters a non-conserved nucleotide located close to a canonical splice site and therefore could affect mRNA splicing, leading to a significantly altered protein sequence. 5/5 computational tools predict no significant impact on normal splicing. However, these predictions have yet to be confirmed by functional studies. The variant allele was found at a frequency of 0.0018 in 250856 control chromosomes in the gnomAD database, including 3 homozygotes. The observed variant frequency is approximately 73.5 fold the estimated maximal allele frequency expected for a pathogenic variant in MYLK causing Aortopathy phenotype (2.5e-05), strongly suggesting that the variant is benign. To our knowledge, no occurrence of c.4620-6C>T in individuals affected with Aortopathy and no experimental evidence demonstrating an impact on protein function have been reported. Five clinical diagnostic laboratories have submitted clinical-significance assessments for this variant to ClinVar after 2014 without evidence for independent evaluation. 4/5 laboratories cited the variant as benign/likely benign. Based on the evidence outlined above, the variant was classified as benign.

CHEO Genetics Diagnostic Laboratory, Children's Hospital of Eastern Ontario
Classification: Benign for Familial thoracic aortic aneurysm and aortic dissection. Last evaluated: 2019-04-05. Review status: criteria provided, single submitter. Criteria: ACMG Guidelines, 2015. Collection method: clinical testing. Allele origin: germline.

Illumina Laboratory Services, Illumina
Classification: Uncertain significance for Aortic aneurysm, familial thoracic 7. Last evaluated: 2018-01-13. Review status: criteria provided, single submitter. Criteria: ICSL Variant Classification Criteria 13 December 2019. Collection method: clinical testing. Allele origin: germline.

Laboratory for Molecular Medicine, Mass General Brigham Personalized Medicine
Classification: Likely benign. Last evaluated: 2015-11-03. Review status: criteria provided, single submitter. Criteria: LMM Criteria. Collection method: clinical testing. Allele origin: germline. Observed: 1 variant allele.
Comment: c.4620-6C>T in intron 27 of MYLK: This variant is not expected to have clinical significance because a C>T change at this position does not diverge from the spl ice consensus sequence and is therefore unlikely to impact splicing. It has also been identified in 0.23% (155/66614) of European chromosomes and 0.22% (25/1156 2) of Latino chromosomes by the Exome Aggregation Consortium (ExAC.; dbSNP rs113607507).

PreventionGenetics, part of Exact Sciences
Classification: Likely benign. Review status: criteria provided, single submitter. Criteria: ACMG Guidelines, 2015. Collection method: clinical testing. Allele origin: germline.

Clinical Genetics DNA and cytogenetics Diagnostics Lab, Erasmus MC, Erasmus Medical Center
Classification: Likely benign. Review status: no assertion criteria provided. Collection method: clinical testing. Allele origin: germline. Affected: yes. Study: VKGL Data-share Consensus. Not counted in ClinVar's aggregate classification.

Genome Diagnostics Laboratory, Amsterdam University Medical Center
Classification: Likely benign. Review status: no assertion criteria provided. Collection method: clinical testing. Allele origin: germline. Affected: yes. Study: VKGL Data-share Consensus. Not counted in ClinVar's aggregate classification.

Genome Diagnostics Laboratory, University Medical Center Utrecht
Classification: Benign. Review status: no assertion criteria provided. Collection method: clinical testing. Allele origin: germline. Affected: yes. Study: VKGL Data-share Consensus. Not counted in ClinVar's aggregate classification.

NM_053025.4(MYLK):c.4620-6C>T

Gene: MYLK (myosin light chain kinase; minus strand). Cytogenetic location: 3q21.1.
Variant type: single nucleotide variant.
Coding change: c.4620-6C>T on transcript NM_053025.4 (MANE Select); 6 bases into the intron before coding-DNA position 4620, C replaced by T.
Molecular consequence: intron variant.
Genome position (GRCh38, 1-based): chr3:123,640,510, G>A on the plus strand (C>T on the coding strand, the complement: MYLK is on the minus strand). VCF-style: chr3-123640510-G-A. GRCh37 (hg19) VCF-style: chr3-123359357-G-A.
Other names: p.?; c.4092-6C>T (NM_001321309.2); c.4413-6C>T (NM_053028.4, NM_053026.4); c.4620-6C>T (NM_053027.4).
Identifiers: ClinVar variation 227625 (VCV000227625.63), dbSNP rs113607507, ClinGen allele CA071938.
Genomic context (GRCh38, chr3:123,640,510, plus strand): 5'-CGTCAGCTCAAAGTCCTCGTCAATGATGCGCTCAAACAGCTCCCCTCCTGACACGCTGCG[G>A]GAACACGTGCACGGGGTGGTCAGGCCACAGGCTCATGGAGGCCAGGCTGGCAGGGAGTCT-3'